The following is an entry in ClinVar:

NM_003242.6(TGFBR2):c.914T>A (p.Leu305His)

Gene: TGFBR2 (transforming growth factor beta receptor 2; plus strand). Cytogenetic location: 3p24.1.
Variant type: single nucleotide variant.
Coding change: c.914T>A on transcript NM_003242.6 (MANE Select); coding-DNA position 914, T replaced by A.
Protein change: p.Leu305His; replaces leucine 305 with histidine.
Molecular consequence: missense variant.
Genome position (GRCh38, 1-based): chr3:30,672,097, T>A. VCF-style: chr3-30672097-T-A. GRCh37 (hg19) VCF-style: chr3-30713589-T-A.
Other names: c.989T>A, p.Leu330His (NM_001024847.3); c.1097T>A, p.Leu366His (NM_001407126.1); c.1022T>A, p.Leu341His (NM_001407127.1); c.941T>A, p.Leu314His (NM_001407128.1); c.917T>A, p.Leu306His (NM_001407129.1); c.914T>A, p.Leu305His (NM_001407130.1); c.809T>A, p.Leu270His (NM_001407132.1, NM_001407133.1, NM_001407134.1 and 2 more transcripts); c.629T>A, p.Leu210His (NM_001407137.1); and 1 more; short protein forms L330H, L305H, L185H, L341H, L366H, L270H, L314H, L306H.
Identifiers: ClinVar variation 949252 (VCV000949252.11), dbSNP rs1553630174, ClinGen allele CA351808157.
Genomic context (GRCh38, chr3:30,672,097, plus strand): 5'-CCTCTTGGAAGACAGAGAAGGACATCTTCTCAGACATCAATCTGAAGCATGAGAACATAC[T>A]CCAGTTCCTGACGGCTGAGGAGCGGAAGACGGAGTTGGGGAAACAATACTGGCTGATCAC-3'
Protein context (NP_003233.4, residues 295-315): SDINLKHENI[Leu305His]QFLTAEERKT

ClinVar aggregate classification (germline): Pathogenic/Likely pathogenic. Review status: criteria provided, multiple submitters, no conflicts (2 of 4 stars). 3 submissions from 3 submitters: Pathogenic (1); Likely pathogenic (1). 1 of the submissions does not count toward it. Last evaluated 2024-05-02.

Conditions:
Familial thoracic aortic aneurysm and aortic dissection (TAAD). Also called: Thoracic aortic aneurysms and dissections. Identifiers: Orphanet 91387, MedGen C4707243, MONDO:0019625.

Submissions (3):

Labcorp Genetics (formerly Invitae), Labcorp
Classification: Pathogenic for Familial thoracic aortic aneurysm and aortic dissection. Last evaluated: 2024-05-02. Review status: criteria provided, single submitter. Criteria: Invitae Variant Classification Sherloc (09022015). Collection method: clinical testing. Allele origin: germline.
Comment: This sequence change replaces leucine, which is neutral and non-polar, with histidine, which is basic and polar, at codon 305 of the TGFBR2 protein (p.Leu305His). This variant is not present in population databases (gnomAD no frequency). This missense change has been observed in individuals with clinical features of TGFBR2-related conditions (Invitae). ClinVar contains an entry for this variant (Variation ID: 949252). Advanced modeling performed at Invitae incorporating data from internal and/or published experimental studies (Invitae) indicates that this missense variant is expected to disrupt TGFBR2 function with a positive predictive value of 95%. This variant disrupts the p.Leu305 amino acid residue in TGFBR2. Other variant(s) that disrupt this residue have been observed in individuals with TGFBR2-related conditions (PMID: 29339704; Invitae), which suggests that this may be a clinically significant amino acid residue. For these reasons, this variant has been classified as Pathogenic.

Ambry Genetics
Classification: Likely pathogenic for Familial thoracic aortic aneurysm and aortic dissection. Last evaluated: 2022-01-18. Review status: criteria provided, single submitter. Criteria: Ambry Variant Classification Scheme 2023. Collection method: clinical testing. Allele origin: germline.
Comment: The p.L305H variant (also known as c.914T>A), located in coding exon 4 of the TGFBR2 gene, results from a T to A substitution at nucleotide position 914. The leucine at codon 305 is replaced by histidine, an amino acid with some similar properties. This alteration has been observed in individuals with personal and/or family histories consistent with TGFBR2-related disease (Ambry internal data; Invitae pers. comm.). Another alteration at the same codon, p.L305F (c.913C>T), has been reported as occurring de novo in individuals with features consistent with Loeys-Dietz syndrome (Kasar T et al. Anatol J Cardiol, 2018 Jan;19:74-77; Ambry internal data). Based on internal structural analysis, this variant is predicted to destabilize a binding motif (Ambry internal data). This variant is considered to be rare based on population cohorts in the Genome Aggregation Database (gnomAD). This amino acid position is highly conserved in available vertebrate species. In addition, this alteration is predicted to be deleterious by in silico analysis. Based on the majority of available evidence to date, this variant is likely to be pathogenic.

GeneDx
Classification: Uncertain significance. Last evaluated: 2023-01-12. Review status: flagged submission. Criteria: GeneDx Variant Classification Process June 2021. Collection method: clinical testing. Allele origin: germline. Affected: yes. Not counted in ClinVar's aggregate classification.
Comment: Has not been previously published as pathogenic or benign to our knowledge; Not observed at significant frequency in large population cohorts (gnomAD); In silico analysis supports that this missense variant has a deleterious effect on protein structure/function
ClinVar note: Reason: Claim with insufficient supporting evidence

Literature cited by the submitters: PubMed 29339704 (cited by Labcorp Genetics (formerly Invitae), Labcorp and Ambry Genetics).